The following is an entry in ClinVar:

NM_152281.3(GORAB):c.556_557del (p.Lys186fs)

Gene: GORAB (golgin, RAB6 interacting; plus strand). Cytogenetic location: 1q24.2.
Variant type: Deletion.
Coding change: c.556_557del on transcript NM_152281.3 (MANE Select); coding-DNA positions 556 to 557, 2 bases deleted (AA; older notation c.556_557delAA).
Protein change: p.Lys186fs; shifts the reading frame from lysine 186.
Molecular consequence: frameshift variant. On other transcripts: non-coding transcript variant (1).
Genome position (GRCh38, 1-based): chr1:170,544,739-170,544,740, AA deleted; deleting any 2 consecutive bases within chr1:170,544,738-170,544,740 gives the same sequence; the c. name uses the placement nearest the transcript's 3' end. VCF-style (leftmost placement, unchanged base first): chr1-170544737-TAA-T. GRCh37 (hg19) VCF-style: chr1-170513878-TAA-T.
Other names: c.556_557del, p.Lys186fs (NM_001146039.2); c.91_92del, p.Lys31fs (NM_001320252.2); c.505_506del, p.Lys169fs (NM_001410894.1); short protein forms K169fs, K31fs, K186fs.
Identifiers: ClinVar variation 2701309 (VCV002701309.3), dbSNP rs2525948184, ClinGen allele CA2697554655.

ClinVar aggregate classification (germline): Pathogenic (1 of 4 stars; one submission).

Submission:

Labcorp Genetics (formerly Invitae), Labcorp
Classification: Pathogenic. Last evaluated: 2025-09-08. Review status: criteria provided, single submitter. Criteria: Invitae Variant Classification Sherloc (09022015). Collection method: clinical testing. Allele origin: germline.
Comment: This sequence change creates a premature translational stop signal (p.Lys211Alafs*11) in the GORAB gene. It is expected to result in an absent or disrupted protein product. Loss-of-function variants in GORAB are known to be pathogenic (PMID: 18997784, 19681135). This variant is not present in population databases (gnomAD no frequency). This variant has not been reported in the literature in individuals affected with GORAB-related conditions. ClinVar contains an entry for this variant (Variation ID: 2701309). For these reasons, this variant has been classified as Pathogenic.

Literature cited by the submitters: PubMed 18997784; PubMed 19681135.